The following is an entry in ClinVar:

ClinVar aggregate classification (germline): Likely benign (1 of 4 stars; one submission).

Submission:

CeGaT Center for Human Genetics Tuebingen
Classification: Likely benign. Last evaluated: 2025-09-01. Review status: criteria provided, single submitter. Criteria: CeGaT Center For Human Genetics Tuebingen Variant Classification Criteria Version 2. Collection method: clinical testing. Allele origin: germline. Affected: yes. Observed: 1 variant allele.
Comment: CEL: BP4

NM_001807.6(CEL):c.1588A>G (p.Met530Val)

Gene: CEL (carboxyl ester lipase; plus strand). Cytogenetic location: 9q34.13.
Variant type: single nucleotide variant.
Coding change: c.1588A>G on transcript NM_001807.6 (MANE Select); coding-DNA position 1588, A replaced by G.
Protein change: p.Met530Val; replaces methionine 530 with valine.
Molecular consequence: missense variant.
Genome position (GRCh38, 1-based): chr9:133,071,090, A>G. VCF-style: chr9-133071090-A-G. GRCh37 (hg19) VCF-style: chr9-135946477-A-G.
Other names: short protein forms M530V.
Identifiers: ClinVar variation 4280986 (VCV004280986.7).